The following is an entry in ClinVar:

ClinVar aggregate classification (germline): Likely benign (0 of 4 stars; one submission).

Conditions:
CUL4B-related disorder. Also called: CUL4B-related condition.

Submission:

PreventionGenetics, part of Exact Sciences
Classification: Likely benign for CUL4B-related condition. Last evaluated: 2022-01-19. Review status: no assertion criteria provided. Collection method: clinical testing. Allele origin: germline.
Comment: This variant is classified as likely benign based on ACMG/AMP sequence variant interpretation guidelines (Richards et al. 2015 PMID: 25741868, with internal and published modifications).

NM_001079872.2(CUL4B):c.603A>G (p.Lys201=)

Gene: CUL4B (cullin 4B; minus strand). Cytogenetic location: Xq24.
Variant type: single nucleotide variant.
Coding change: c.603A>G on transcript NM_001079872.2 (MANE Select); coding-DNA position 603, A replaced by G.
Protein change: p.Lys201=; no amino-acid change (lysine 201 retained).
Molecular consequence: synonymous variant.
Genome position (GRCh38, 1-based): chrX:120,557,993, T>C on the plus strand (A>G on the coding strand, the complement: CUL4B is on the minus strand). VCF-style: chrX-120557993-T-C. GRCh37 (hg19) VCF-style: chrX-119691848-T-C.
Other names: c.618A>G, p.Lys206= (NM_001330624.2); c.69A>G, p.Lys23= (NM_001369145.1); c.657A>G, p.Lys219= (NM_003588.4).
Identifiers: ClinVar variation 3351286 (VCV003351286.1).